The following is an entry in ClinVar:

ClinVar aggregate classification (germline): Conflicting classifications of pathogenicity. Review status: criteria provided, conflicting classifications (1 of 4 stars). 3 submissions from 3 submitters: Uncertain significance (2); Benign (1). Last evaluated 2025-12-28.

Conditions:
Early-infantile DEE. Also called: Early infantile epileptic encephalopathy; Early infantile epileptic encephalopathy with suppression bursts; Ohtahara syndrome. Identifiers: Orphanet 1934, MedGen C0393706, MONDO:0800491.
Inborn genetic diseases. Identifiers: MedGen C0950123, MeSH D030342.

Allele frequency attached by ClinVar (database versions not stated): gnomAD exomes 0.00001; gnomAD 0.00003 and 0.00004; TOPMed 0.00005; ExAC 0.00001.
gnomAD v4.1: 14 of 1,611,932 alleles (0.00087%); highest among the groups gnomAD compares: African/African-American, 0.016%; no homozygotes.

Submissions (3):

Labcorp Genetics (formerly Invitae), Labcorp
Classification: Benign for Early-infantile DEE. Last evaluated: 2025-12-28. Review status: criteria provided, single submitter. Criteria: Invitae Variant Classification Sherloc (09022015). Collection method: clinical testing. Allele origin: germline.

Ambry Genetics
Classification: Uncertain significance for Inborn genetic diseases. Last evaluated: 2025-02-05. Review status: criteria provided, single submitter. Criteria: Ambry Variant Classification Scheme 2023. Collection method: clinical testing. Allele origin: germline.

GeneDx
Classification: Uncertain significance. Last evaluated: 2021-11-09. Review status: criteria provided, single submitter. Criteria: GeneDx Variant Classification Process June 2021. Collection method: clinical testing. Allele origin: germline. Affected: yes.
Comment: Has not been previously published as pathogenic or benign to our knowledge; Missense variants in this gene are often considered pathogenic (Stenson et al., 2014); In silico analysis supports that this missense variant does not alter protein structure/function; This substitution is predicted to be within the extracellular loop between the S5 and S6 transmembrane segments of the first homologous domain

NM_001165963.4(SCN1A):c.875T>C (p.Ile292Thr)

Gene: SCN1A (sodium voltage-gated channel alpha subunit 1; minus strand). Cytogenetic location: 2q24.3.
Variant type: single nucleotide variant.
Coding change: c.875T>C on transcript NM_001165963.4 (MANE Select); coding-DNA position 875, T replaced by C.
Protein change: p.Ile292Thr; replaces isoleucine 292 with threonine.
Molecular consequence: missense variant. On other transcripts: 5 prime UTR variant (1), non-coding transcript variant (1).
Genome position (GRCh38, 1-based): chr2:166,051,808, A>G on the plus strand (T>C on the coding strand, the complement: SCN1A is on the minus strand). VCF-style: chr2-166051808-A-G. GRCh37 (hg19) VCF-style: chr2-166908318-A-G.
Other names: c.875T>C, p.Ile292Thr (NM_001165964.3, NM_001202435.3, NM_001353948.2 and 10 more transcripts); c.-1551T>C (NM_001353961.2); short protein forms I292T.
Identifiers: ClinVar variation 1321749 (VCV001321749.6), dbSNP rs766503699, ClinGen allele CA1943425.
Genomic context (GRCh38, chr2:166,051,808, plus strand): 5'-AACTCAAAGACAGTTTCATTTATAAGTGTACCATTATAATTCACAGTTATATTCTTTTCT[A>G]TACTATGTTCCTCCAAGGAAGCATTGGTGGGAGGCCATTGTATACATTTATTCCTCAGGT-3'
Protein context (NP_001159435.1, residues 282-302): PTNASLEEHS[Ile292Thr]EKNITVNYNG